The following is an entry in ClinVar:

ClinVar aggregate classification (germline): Uncertain significance (1 of 4 stars; one submission).

Conditions:
Charcot-Marie-Tooth disease type 2. Also called: Charcot-Marie-Tooth type 2. Identifiers: Orphanet 64746, MedGen C0270914, MONDO:0018993.

Submission:

Labcorp Genetics (formerly Invitae), Labcorp
Classification: Uncertain significance for Charcot-Marie-Tooth disease type 2. Last evaluated: 2022-02-02. Review status: criteria provided, single submitter. Criteria: Invitae Variant Classification Sherloc (09022015). Collection method: clinical testing. Allele origin: germline.
Comment: In summary, the available evidence is currently insufficient to determine the role of this variant in disease. Therefore, it has been classified as a Variant of Uncertain Significance. Algorithms developed to predict the effect of missense changes on protein structure and function are either unavailable or do not agree on the potential impact of this missense change (SIFT: "Deleterious"; PolyPhen-2: "Probably Damaging"; Align-GVGD: "Class C0"). This variant has not been reported in the literature in individuals affected with KIF1B-related conditions. This variant is not present in population databases (gnomAD no frequency). This sequence change replaces serine, which is neutral and polar, with cysteine, which is neutral and slightly polar, at codon 1008 of the KIF1B protein (p.Ser1008Cys).

NM_001365951.3(KIF1B):c.3161C>G (p.Ser1054Cys)

Gene: KIF1B (kinesin family member 1B; plus strand). Cytogenetic location: 1p36.22.
Variant type: single nucleotide variant.
Coding change: c.3161C>G on transcript NM_001365951.3 (MANE Select); coding-DNA position 3161, C replaced by G.
Protein change: p.Ser1054Cys; replaces serine 1054 with cysteine.
Molecular consequence: missense variant.
Genome position (GRCh38, 1-based): chr1:10,337,105, C>G. VCF-style: chr1-10337105-C-G. GRCh37 (hg19) VCF-style: chr1-10397163-C-G.
Other names: c.3161C>G, p.Ser1054Cys (NM_001365952.1); c.3023C>G, p.Ser1008Cys (NM_015074.3); short protein forms S1054C, S1008C.
Identifiers: ClinVar variation 2091943 (VCV002091943.4), dbSNP rs2521718963, ClinGen allele CA338339653.